The following is an entry in ClinVar:

ClinVar aggregate classification (germline): Uncertain significance (1 of 4 stars; one submission).

Submission:

GeneDx
Classification: Uncertain significance. Last evaluated: 2024-06-23. Review status: criteria provided, single submitter. Criteria: GeneDx Variant Classification Process June 2021. Collection method: clinical testing. Allele origin: germline. Affected: yes.
Comment: Not observed at significant frequency in large population cohorts (gnomAD); In silico analysis indicates that this missense variant does not alter protein structure/function; Has not been previously published as pathogenic or benign to our knowledge

NM_015057.5(MYCBP2):c.5491G>A (p.Val1831Met)

Gene: MYCBP2 (MYC binding protein 2; minus strand). Cytogenetic location: 13q22.3.
Variant type: single nucleotide variant.
Coding change: c.5491G>A on transcript NM_015057.5 (MANE Select); coding-DNA position 5491, G replaced by A.
Protein change: p.Val1831Met; replaces valine 1831 with methionine.
Molecular consequence: missense variant.
Genome position (GRCh38, 1-based): chr13:77,174,471, C>T on the plus strand (G>A on the coding strand, the complement: MYCBP2 is on the minus strand). VCF-style: chr13-77174471-C-T. GRCh37 (hg19) VCF-style: chr13-77748606-C-T.
Other names: short protein forms V1831M.
Identifiers: ClinVar variation 3391461 (VCV003391461.1).